The following is an entry in ClinVar:

ClinVar aggregate classification (germline): Uncertain significance (1 of 4 stars; one submission).

Conditions:
Early-infantile DEE. Also called: Early infantile epileptic encephalopathy; Ohtahara syndrome; Early infantile epileptic encephalopathy with suppression bursts. Identifiers: Orphanet 1934, MedGen C0393706, MONDO:0800491.

Allele frequency attached by ClinVar (database versions not stated): TOPMed below 0.00001; gnomAD 0.00001.
gnomAD v4.1: 1 of 1,613,786 alleles (0.000062%); highest among the groups gnomAD compares: African/African-American, 0.0013%; no homozygotes.

Submission:

Labcorp Genetics (formerly Invitae), Labcorp
Classification: Uncertain significance for Early-infantile DEE. Last evaluated: 2021-08-18. Review status: criteria provided, single submitter. Criteria: Invitae Variant Classification Sherloc (09022015). Collection method: clinical testing. Allele origin: germline.
Comment: In summary, this variant is a novel missense change with uncertain impact on protein function. It has been classified as a Variant of Uncertain Significance. Algorithms developed to predict the effect of missense changes on protein structure and function do not agree on the potential impact of this missense change (SIFT: "Deleterious"; PolyPhen-2: "Benign"; Align-GVGD: "Class C0"). This sequence change replaces threonine with isoleucine at codon 926 of the CACNA2D2 protein (p.Thr926Ile). The threonine residue is moderately conserved and there is a moderate physicochemical difference between threonine and isoleucine. This variant is not present in population databases (ExAC no frequency) and has not been reported in the literature in individuals with a CACNA2D2-related disease.

NM_006030.4(CACNA2D2):c.2777C>T (p.Thr926Ile)

Genes: CACNA2D2 (calcium voltage-gated channel auxiliary subunit alpha2delta 2; minus strand), LOC101928965 (uncharacterized LOC101928965; plus strand), LOC127898564 (CYB561D2-LOC101928965; plus strand). Cytogenetic location: 3p21.31.
Variant type: single nucleotide variant.
Coding change: c.2777C>T on transcript NM_006030.4 (MANE Select); coding-DNA position 2777, C replaced by T.
Protein change: p.Thr926Ile; replaces threonine 926 with isoleucine.
Molecular consequence: missense variant.
Genome position (GRCh38, 1-based): chr3:50,366,096, G>A on the plus strand (C>T on the coding strand, the complement: CACNA2D2 is on the minus strand). VCF-style: chr3-50366096-G-A. GRCh37 (hg19) VCF-style: chr3-50403527-G-A.
Other names: c.2777C>T, p.Thr926Ile (NM_001005505.3); c.2798C>T, p.Thr933Ile (NM_001174051.3); c.2570C>T, p.Thr857Ile (NM_001291101.1); short protein forms T926I, T933I, T857I.
Identifiers: ClinVar variation 461317 (VCV000461317.6), dbSNP rs1553725746, ClinGen allele CA352905090.
Genomic context (GRCh38, chr3:50,366,096, plus strand): 5'-CCCAGGTTGCCAGGGGGCTGAGGGGCACAGGCTGCCTGATAGTCATAGGACTCCTTGCGG[G>A]TGTAGAAGGAGTTATTGTAGAGTGCCAGCATCAGGTTGGCATCCACCTCACTGAAGAACC-3'
Protein context (NP_006021.2, residues 916-936): MLALYNNSFY[Thr926Ile]RKESYDYQAA